The following is an entry in ClinVar:

NM_002959.7(SORT1):c.1682C>T (p.Thr561Met)

Gene: SORT1 (sortilin 1; minus strand). Cytogenetic location: 1p13.3.
Variant type: single nucleotide variant.
Coding change: c.1682C>T on transcript NM_002959.7 (MANE Select); coding-DNA position 1682, C replaced by T.
Protein change: p.Thr561Met; replaces threonine 561 with methionine.
Molecular consequence: missense variant.
Genome position (GRCh38, 1-based): chr1:109,325,051, G>A on the plus strand (C>T on the coding strand, the complement: SORT1 is on the minus strand). VCF-style: chr1-109325051-G-A. GRCh37 (hg19) VCF-style: chr1-109867673-G-A.
Other names: c.1682C>T (NM_002959.5); c.1271C>T, p.Thr424Met (NM_001205228.2); short protein forms T424M, T561M.
Identifiers: ClinVar variation 3049772 (VCV003049772.3), dbSNP rs149226217, ClinGen allele CA989800.

ClinVar aggregate classification (germline): Uncertain significance. Review status: criteria provided, single submitter (1 of 4 stars). 2 submissions from 2 submitters: Uncertain significance (1). 1 of the submissions does not count toward it. Last evaluated 2025-08-22.

Conditions:
SORT1-related disorder. Also called: SORT1-related condition.

Allele frequency attached by ClinVar (database versions not stated): gnomAD exomes 0.00015; ExAC 0.00055; TOPMed 0.00153; gnomAD 0.00155; ESP Exome Variant Server 0.00177; 1000 Genomes Project 0.00200; 1000 Genomes Project 30x 0.00219.
gnomAD v4.1: 450 of 1,613,232 alleles (0.028%); highest among the groups gnomAD compares: African/African-American, 0.57%; no homozygotes.

Submissions (2):

Ambry Genetics
Classification: Uncertain significance. Last evaluated: 2025-08-22. Review status: criteria provided, single submitter. Criteria: Ambry Variant Classification Scheme 2023. Collection method: clinical testing. Allele origin: germline.

PreventionGenetics, part of Exact Sciences
Classification: Benign for SORT1-related condition. Last evaluated: 2019-08-20. Review status: no assertion criteria provided. Collection method: clinical testing. Allele origin: germline. Not counted in ClinVar's aggregate classification.
Comment: This variant is classified as benign based on ACMG/AMP sequence variant interpretation guidelines (Richards et al. 2015 PMID: 25741868, with internal and published modifications).